The following is an entry in ClinVar:

ClinVar aggregate classification (germline): Uncertain significance (1 of 4 stars; one submission).

Allele frequency attached by ClinVar (database versions not stated): gnomAD exomes below 0.00001; gnomAD 0.00001; TOPMed 0.00001.
gnomAD v4.1: 8 of 1,613,998 alleles (0.0005%); highest among the groups gnomAD compares: Admixed American, 0.0017%; no homozygotes.

Submission:

Labcorp Genetics (formerly Invitae), Labcorp
Classification: Uncertain significance. Last evaluated: 2021-07-02. Review status: criteria provided, single submitter. Criteria: Invitae Variant Classification Sherloc (09022015). Collection method: clinical testing. Allele origin: germline.
Comment: This sequence change replaces asparagine with serine at codon 2095 of the FN1 protein (p.Asn2095Ser). The asparagine residue is moderately conserved and there is a small physicochemical difference between asparagine and serine. This variant is not present in population databases (ExAC no frequency). This variant has not been reported in the literature in individuals affected with FN1-related conditions. Algorithms developed to predict the effect of missense changes on protein structure and function are either unavailable or do not agree on the potential impact of this missense change (SIFT: "Not Available"; PolyPhen-2: "Benign"; Align-GVGD: "Not Available"). In summary, the available evidence is currently insufficient to determine the role of this variant in disease. Therefore, it has been classified as a Variant of Uncertain Significance.

NM_212482.4(FN1):c.6284A>G (p.Asn2095Ser)

Gene: FN1 (fibronectin 1; minus strand). Cytogenetic location: 2q35.
Variant type: single nucleotide variant.
Coding change: c.6284A>G on transcript NM_212482.4 (MANE Select); coding-DNA position 6284, A replaced by G.
Protein change: p.Asn2095Ser; replaces asparagine 2095 with serine.
Molecular consequence: missense variant. On other transcripts: intron variant (9).
Genome position (GRCh38, 1-based): chr2:215,372,339, T>C on the plus strand (A>G on the coding strand, the complement: FN1 is on the minus strand). VCF-style: chr2-215372339-T-C. GRCh37 (hg19) VCF-style: chr2-216237062-T-C.
Other names: c.6284A>G, p.Asn2095Ser (NM_001306129.2); c.5741A>G, p.Asn1914Ser (NM_001306131.2, NM_212476.3); c.6014A>G, p.Asn2005Ser (NM_001365517.2, NM_001365521.2); c.6011A>G, p.Asn2004Ser (NM_001365518.2, NM_002026.4); c.5705-324A>G (NM_212474.3); c.5705-39A>G (NM_001306132.2, NM_001365523.2); c.5975-324A>G (NM_001365524.2); c.5975-39A>G (NM_212478.3, NM_001365520.2); and 2 more; short protein forms N1914S, N2095S, N2005S, N2004S.
Identifiers: ClinVar variation 1403637 (VCV001403637.8), dbSNP rs1253945360, ClinGen allele CA350467796.